The following is an entry in ClinVar:

NM_001145809.2(MYH14):c.3537C>T (p.Ala1179=)

Gene: MYH14 (myosin heavy chain 14; plus strand). Cytogenetic location: 19q13.33.
Variant type: single nucleotide variant.
Coding change: c.3537C>T on transcript NM_001145809.2 (MANE Select); coding-DNA position 3537, C replaced by T.
Protein change: p.Ala1179=; no amino-acid change (alanine 1179 retained).
Molecular consequence: synonymous variant.
Genome position (GRCh38, 1-based): chr19:50,276,060, C>T. VCF-style: chr19-50276060-C-T. GRCh37 (hg19) VCF-style: chr19-50779317-C-T.
Other names: p.Ala1179Ala; c.3438C>T, p.Ala1146= (NM_001077186.2); c.3414C>T, p.Ala1138= (NM_024729.4).
Identifiers: ClinVar variation 517572 (VCV000517572.18), dbSNP rs559356437, ClinGen allele CA9593246.

ClinVar aggregate classification (germline): Benign/Likely benign. Review status: criteria provided, multiple submitters, no conflicts (2 of 4 stars). 4 submissions from 4 submitters: Benign (2); Likely benign (2). Last evaluated 2025-10-21.

Allele frequency attached by ClinVar (database versions not stated): gnomAD 0.00005; TOPMed 0.00007; 1000 Genomes Project 30x 0.00016; ExAC 0.00027; 1000 Genomes Project 0.00040.
gnomAD v4.1: 76 of 1,611,932 alleles (0.0047%); highest among the groups gnomAD compares: Admixed American, 0.084%; 1 homozygote.

Submissions (4):

Labcorp Genetics (formerly Invitae), Labcorp
Classification: Benign. Last evaluated: 2025-10-21. Review status: criteria provided, single submitter. Criteria: Invitae Variant Classification Sherloc (09022015). Collection method: clinical testing. Allele origin: germline.

GeneDx
Classification: Likely benign. Last evaluated: 2021-03-05. Review status: criteria provided, single submitter. Criteria: GeneDx Variant Classification Process June 2021. Collection method: clinical testing. Allele origin: germline. Affected: yes.

ARUP Laboratories, Molecular Genetics and Genomics, ARUP Laboratories
Classification: Benign. Last evaluated: 2018-04-26. Review status: criteria provided, single submitter. Criteria: ARUP Molecular Germline Variant Investigation Process. Collection method: clinical testing. Allele origin: germline.

Laboratory for Molecular Medicine, Mass General Brigham Personalized Medicine
Classification: Likely benign. Last evaluated: 2017-09-28. Review status: criteria provided, single submitter. Criteria: LMM Criteria. Collection method: clinical testing. Allele origin: germline. Observed: 1 variant allele.
Comment: p.Ala1179Ala in exon 28 of MYH14: This variant is not expected to have clinical significance because it does not alter an amino acid residue and is not located within the splice consensus sequence. It has been identified in 0.13% (43/34068) of Latino chromosomes including 1 homozygote by the Genome Aggregation Database (gnomAD; dbSNP rs559356437).